The following is an entry in ClinVar:

ClinVar aggregate classification (germline): Likely pathogenic (1 of 4 stars; one submission).

Allele frequency attached by ClinVar (database versions not stated): ExAC 0.00002.

Submission:

Labcorp Genetics (formerly Invitae), Labcorp
Classification: Likely pathogenic. Last evaluated: 2023-03-08. Review status: criteria provided, single submitter. Criteria: Invitae Variant Classification Sherloc (09022015). Collection method: clinical testing. Allele origin: germline.
Comment: This sequence change affects an acceptor splice site in intron 5 of the ITGA6 gene. It is expected to disrupt RNA splicing. Variants that disrupt the donor or acceptor splice site typically lead to a loss of protein function (PMID: 16199547), and loss-of-function variants in ITGA6 are known to be pathogenic (PMID: 9158140, 9185503, 9804362, 27607025). This variant is not present in population databases (gnomAD no frequency). In summary, the currently available evidence indicates that the variant is pathogenic, but additional data are needed to prove that conclusively. Therefore, this variant has been classified as Likely Pathogenic. Algorithms developed to predict the effect of sequence changes on RNA splicing suggest that this variant may disrupt the consensus splice site. This variant has not been reported in the literature in individuals affected with ITGA6-related conditions.

Literature cited by the submitters: PubMed 16199547; PubMed 9158140; PubMed 9185503; PubMed 9804362; PubMed 27607025.

NM_000210.4(ITGA6):c.776-2A>T

Genes: ITGA6 (integrin subunit alpha 6; plus strand), PDK1-AS1 (PDK1 and ITGA6 antisense RNA 1; minus strand). Cytogenetic location: 2q31.1.
Variant type: single nucleotide variant.
Coding change: c.776-2A>T on transcript NM_000210.4 (MANE Select); the canonical splice acceptor site of the intron before coding-DNA position 776, A replaced by T.
Molecular consequence: splice acceptor variant.
Genome position (GRCh38, 1-based): chr2:172,474,053, A>T. VCF-style: chr2-172474053-A-T. GRCh37 (hg19) VCF-style: chr2-173338781-A-T.
Other names: c.419-2A>T (NM_001316306.2); c.893-2A>T (NM_001394928.1); c.776-2A>T (NM_001079818.3, NM_001365530.2, NM_001365529.2).
Identifiers: ClinVar variation 2843688 (VCV002843688.3), dbSNP rs778064094, ClinGen allele CA1967980.